The following is an entry in ClinVar:

ClinVar aggregate classification (germline): Pathogenic (1 of 4 stars; one submission).

Submission:

Labcorp Genetics (formerly Invitae), Labcorp
Classification: Pathogenic. Last evaluated: 2025-10-21. Review status: criteria provided, single submitter. Criteria: Invitae Variant Classification Sherloc (09022015). Collection method: clinical testing. Allele origin: germline.
Comment: This sequence change creates a premature translational stop signal (p.Ile68Aspfs*37) in the NDUFV1 gene. It is expected to result in an absent or disrupted protein product. Loss-of-function variants in NDUFV1 are known to be pathogenic (PMID: 10080174, 11349233). This variant is not present in population databases (gnomAD no frequency). This variant has not been reported in the literature in individuals affected with NDUFV1-related conditions. ClinVar contains an entry for this variant (Variation ID: 2063984). For these reasons, this variant has been classified as Pathogenic.

Literature cited by the submitters: PubMed 10080174; PubMed 11349233.

NM_007103.4(NDUFV1):c.201dup (p.Ile68fs)

Gene: NDUFV1 (NADH:ubiquinone oxidoreductase core subunit V1; plus strand). Cytogenetic location: 11q13.2.
Variant type: Duplication.
Coding change: c.201dup on transcript NM_007103.4 (MANE Select); coding-DNA position 201, one base duplicated (G; older notation c.201dupG).
Protein change: p.Ile68fs; shifts the reading frame from isoleucine 68.
Molecular consequence: frameshift variant.
Genome position (GRCh38, 1-based): chr11:67,608,597, G duplicated. VCF-style (leftmost placement, unchanged base first): chr11-67608596-A-AG. GRCh37 (hg19) VCF-style: chr11-67376067-A-AG.
Other names: c.174dup, p.Ile59fs (NM_001166102.2); short protein forms I68fs, I59fs.
Identifiers: ClinVar variation 2063984 (VCV002063984.4), dbSNP rs2495715811, ClinGen allele CA2580084887.